The following is an entry in ClinVar:

ClinVar aggregate classification (germline): Likely benign. Review status: criteria provided, multiple submitters, no conflicts (2 of 4 stars). 4 submissions from 4 submitters: Likely benign (3). 1 of the submissions does not count toward it. Last evaluated 2025-12-21.

Conditions:
Aortic aneurysm, familial thoracic 8 (AAT8). Identifiers: MedGen C3809513, MONDO:0014187, OMIM 615436.
PRKG1-related disorder. Also called: PRKG1-related condition.
Familial thoracic aortic aneurysm and aortic dissection (TAAD). Also called: Thoracic aortic aneurysms and dissections. Identifiers: Orphanet 91387, MedGen C4707243, MONDO:0019625.

Allele frequency attached by ClinVar (database versions not stated): ExAC 0.00004; gnomAD exomes 0.00004; ESP Exome Variant Server 0.00008; TOPMed 0.00013; gnomAD 0.00015 and 0.00016; 1000 Genomes Project 30x 0.00047; 1000 Genomes Project 0.00060.
gnomAD v4.1: 53 of 1,613,824 alleles (0.0033%); highest among the groups gnomAD compares: African/African-American, 0.057%; no homozygotes.

Submissions (4):

Labcorp Genetics (formerly Invitae), Labcorp
Classification: Likely benign for Aortic aneurysm, familial thoracic 8. Last evaluated: 2025-12-21. Review status: criteria provided, single submitter. Criteria: Invitae Variant Classification Sherloc (09022015). Collection method: clinical testing. Allele origin: germline.

Ambry Genetics
Classification: Likely benign for Familial thoracic aortic aneurysm and aortic dissection. Last evaluated: 2022-04-11. Review status: criteria provided, single submitter. Criteria: Ambry Variant Classification Scheme 2023. Collection method: clinical testing. Allele origin: germline.

GeneDx
Classification: Likely benign. Last evaluated: 2018-06-06. Review status: criteria provided, single submitter. Criteria: GeneDx Variant Classification (06012015). Collection method: clinical testing. Allele origin: germline. Affected: yes.
Comment: This variant is considered likely benign or benign based on one or more of the following criteria: it is a conservative change, it occurs at a poorly conserved position in the protein, it is predicted to be benign by multiple in silico algorithms, and/or has population frequency not consistent with disease.

PreventionGenetics, part of Exact Sciences
Classification: Likely benign for PRKG1-related condition. Last evaluated: 2024-08-23. Review status: no assertion criteria provided. Collection method: clinical testing. Allele origin: germline. Not counted in ClinVar's aggregate classification.
Comment: This variant is classified as likely benign based on ACMG/AMP sequence variant interpretation guidelines (Richards et al. 2015 PMID: 25741868, with internal and published modifications).

NM_006258.4(PRKG1):c.810G>C (p.Gly270=)

Gene: PRKG1 (protein kinase cGMP-dependent 1; plus strand). Cytogenetic location: 10q21.1.
Variant type: single nucleotide variant.
Coding change: c.810G>C on transcript NM_006258.4 (MANE Select); coding-DNA position 810, G replaced by C.
Protein change: p.Gly270=; no amino-acid change (glycine 270 retained).
Molecular consequence: synonymous variant.
Genome position (GRCh38, 1-based): chr10:52,054,531, G>C. VCF-style: chr10-52054531-G-C. GRCh37 (hg19) VCF-style: chr10-53814291-G-C.
Other names: c.765G>C, p.Gly255= (NM_001098512.3).
Identifiers: ClinVar variation 669311 (VCV000669311.12), dbSNP rs151055252, ClinGen allele CA5503625.